The following is an entry in ClinVar:

ClinVar aggregate classification (germline): Likely benign (1 of 4 stars; one submission).

gnomAD v4.1: 37 of 1,525,970 alleles (0.0024%); highest among the groups gnomAD compares: African/African-American, 0.021%; no homozygotes.

Submission:

Center for Genomic Medicine, Rigshospitalet, Copenhagen University Hospital
Classification: Likely benign. Last evaluated: 2025-03-04. Review status: criteria provided, single submitter. Criteria: ACMG Guidelines, 2015. Collection method: clinical testing. Allele origin: germline.
Comment: Classification criteria: BP4, BP7

NM_144997.7(FLCN):c.397-37G>A

Gene: FLCN (folliculin; minus strand). Cytogenetic location: 17p11.2.
Variant type: single nucleotide variant.
Coding change: c.397-37G>A on transcript NM_144997.7 (MANE Select); 37 bases into the intron before coding-DNA position 397, G replaced by A.
Molecular consequence: intron variant.
Genome position (GRCh38, 1-based): chr17:17,224,180, C>T on the plus strand (G>A on the coding strand, the complement: FLCN is on the minus strand). VCF-style: chr17-17224180-C-T. GRCh37 (hg19) VCF-style: chr17-17127494-C-T.
Other names: c.397-37G>A (NM_001353231.2, NM_001353230.2, NM_144606.7); c.451-37G>A (NM_001353229.2).
Identifiers: ClinVar variation 3765184 (VCV003765184.1).